The following is an entry in ClinVar:

NM_006767.4(LZTR1):c.987_988dup (p.Ser330fs)

Gene: LZTR1 (leucine zipper like post translational regulator 1; plus strand). Cytogenetic location: 22q11.21.
Variant type: Duplication.
Coding change: c.987_988dup on transcript NM_006767.4 (MANE Select); coding-DNA positions 987 to 988, 2 bases duplicated (CA; older notation c.987_988dupCA).
Protein change: p.Ser330fs; shifts the reading frame from serine 330.
Molecular consequence: frameshift variant.
Genome position (GRCh38, 1-based): chr22:20,991,823-20,991,824, CA duplicated; duplicating any 2 consecutive bases within chr22:20,991,822-20,991,824 gives the same sequence; the c. name uses the placement nearest the transcript's 3' end. VCF-style (leftmost placement, unchanged base first): chr22-20991821-G-GAC. GRCh37 (hg19) VCF-style: chr22-21346110-G-GAC.
Other names: short protein forms S330fs.
Identifiers: ClinVar variation 1768457 (VCV001768457.4), dbSNP rs2518617397, ClinGen allele CA2580099218.

ClinVar aggregate classification (germline): Pathogenic. Review status: criteria provided, multiple submitters, no conflicts (2 of 4 stars). 2 submissions from 2 submitters: Pathogenic (2). Last evaluated 2025-03-15.

Conditions:
Cardiovascular phenotype. Identifiers: MedGen CN230736.
Hereditary cancer-predisposing syndrome. Also called: Hereditary Cancer Syndrome; Hereditary neoplastic syndrome; Neoplastic Syndromes, Hereditary; Tumor predisposition. Identifiers: Orphanet 140162, MedGen C0027672, MeSH D009386, MONDO:0015356.

Submissions (2):

Labcorp Genetics (formerly Invitae), Labcorp
Classification: Pathogenic. Last evaluated: 2025-03-15. Review status: criteria provided, single submitter. Criteria: Invitae Variant Classification Sherloc (09022015). Collection method: clinical testing. Allele origin: germline.
Comment: This sequence change creates a premature translational stop signal (p.Ser330Thrfs*22) in the LZTR1 gene. It is expected to result in an absent or disrupted protein product. Loss-of-function variants in LZTR1 are known to be pathogenic (PMID: 24362817, 25335493, 25480913, 25795793, 29469822, 30368668, 30442762, 30442766, 30481304, 30859559). This variant is not present in population databases (gnomAD no frequency). This variant has not been reported in the literature in individuals affected with LZTR1-related conditions. ClinVar contains an entry for this variant (Variation ID: 1768457). For these reasons, this variant has been classified as Pathogenic.

Ambry Genetics
Classification: Pathogenic for Cardiovascular phenotype; Hereditary cancer-predisposing syndrome. Last evaluated: 2022-05-25. Review status: criteria provided, single submitter. Criteria: Ambry Variant Classification Scheme 2023. Collection method: clinical testing. Allele origin: germline.
Comment: The c.987_988dupCA pathogenic mutation, located in coding exon 9 of the LZTR1 gene, results from a duplication of CA at nucleotide position 987, causing a translational frameshift with a predicted alternate stop codon (p.S330Tfs*22). This alteration is expected to result in loss of function by premature protein truncation or nonsense-mediated mRNA decay. Loss-of-function variants in LZTR1 are related to an increased risk for schwannomas and autosomal recessive Noonan syndrome; however, such associations with autosomal dominant Noonan syndrome have not been observed (Piotrowski A et al. Nat Genet. 2014 Feb;46:182-7; Yamamoto GL et al. J Med Genet. 2015 Jun;52:413-21; Johnston JJ et al. Genet Med. 2018 10;20:1175-1185). Based on the supporting evidence, this variant is pathogenic for an increased risk of LZTR1-related schwannomatosis (SWN) and would be expected to cause autosomal recessive Noonan syndrome when present along with a second pathogenic or likely pathogenic variant on the other allele; however, the association of this alteration with autosomal dominant Noonan syndrome is unlikely.

Literature cited by the submitters: PubMed 24362817 (cited by Labcorp Genetics (formerly Invitae), Labcorp); PubMed 25335493 (cited by Labcorp Genetics (formerly Invitae), Labcorp); PubMed 25480913 (cited by Labcorp Genetics (formerly Invitae), Labcorp); PubMed 25795793 (cited by Labcorp Genetics (formerly Invitae), Labcorp); PubMed 29469822 (cited by Labcorp Genetics (formerly Invitae), Labcorp); PubMed 30368668 (cited by Labcorp Genetics (formerly Invitae), Labcorp); PubMed 30442762 (cited by Labcorp Genetics (formerly Invitae), Labcorp); PubMed 30442766 (cited by Labcorp Genetics (formerly Invitae), Labcorp); PubMed 30481304 (cited by Labcorp Genetics (formerly Invitae), Labcorp); PubMed 30859559 (cited by Labcorp Genetics (formerly Invitae), Labcorp).